The following is an entry in ClinVar:

NM_080680.3(COL11A2):c.4127A>G (p.Gln1376Arg)

Gene: COL11A2 (collagen type XI alpha 2 chain; minus strand). Cytogenetic location: 6p21.32.
Variant type: single nucleotide variant.
Coding change: c.4127A>G on transcript NM_080680.3 (MANE Select); coding-DNA position 4127, A replaced by G.
Protein change: p.Gln1376Arg; replaces glutamine 1376 with arginine.
Molecular consequence: missense variant.
Genome position (GRCh38, 1-based): chr6:33,167,313, T>C on the plus strand (A>G on the coding strand, the complement: COL11A2 is on the minus strand). VCF-style: chr6-33167313-T-C. GRCh37 (hg19) VCF-style: chr6-33135090-T-C.
Other names: c.3947A>G, p.Gln1316Arg (NM_001424108.1); c.3281A>G, p.Gln1094Arg (NM_001424109.1); c.3101A>G, p.Gln1034Arg (NM_001424110.1, NM_001424111.1); c.2081A>G, p.Gln694Arg (NM_001424112.1); c.3806A>G, p.Gln1269Arg (NM_080679.3); c.3869A>G, p.Gln1290Arg (NM_080681.3); short protein forms Q1034R, Q1376R, Q1290R, Q1316R, Q1094R, Q1269R, Q694R.
Identifiers: ClinVar variation 2919476 (VCV002919476.3), dbSNP rs2534570132, ClinGen allele CA363622779.

ClinVar aggregate classification (germline): Likely pathogenic (1 of 4 stars; one submission).

Submission:

Labcorp Genetics (formerly Invitae), Labcorp
Classification: Likely pathogenic. Last evaluated: 2025-10-27. Review status: criteria provided, single submitter. Criteria: Invitae Variant Classification Sherloc (09022015). Collection method: clinical testing. Allele origin: germline.
Comment: This sequence change replaces glutamine, which is neutral and polar, with arginine, which is basic and polar, at codon 1376 of the COL11A2 protein (p.Gln1376Arg). This variant is not present in population databases (gnomAD no frequency). This missense change has been observed in individual(s) with autosomal dominant COL11A2-related conditions (internal data). In at least one individual the variant was observed to be de novo. ClinVar contains an entry for this variant (Variation ID: 2919476). Invitae Evidence Modeling of protein sequence and biophysical properties (such as structural, functional, and spatial information, amino acid conservation, physicochemical variation, residue mobility, and thermodynamic stability) indicates that this missense variant is not expected to disrupt COL11A2 protein function with a negative predictive value of 95%. In summary, the currently available evidence indicates that the variant is pathogenic, but additional data are needed to prove that conclusively. Therefore, this variant has been classified as Likely Pathogenic.